The following is an entry in ClinVar:

ClinVar aggregate classification (germline): Uncertain significance. Review status: criteria provided, multiple submitters, no conflicts (2 of 4 stars). 2 submissions from 2 submitters: Uncertain significance (2). Last evaluated 2026-06-16.

Conditions:
Familial adenomatous polyposis 1 (FAP1). Also called: POLYPOSIS, ADENOMATOUS INTESTINAL; FAMILIAL ADENOMATOUS POLYPOSIS 1, ATTENUATED. Identifiers: MedGen C2713442, MONDO:0021056, OMIM 175100. Disease mechanism: loss of function.
Hereditary cancer-predisposing syndrome. Also called: Tumor predisposition; Hereditary neoplastic syndrome; Hereditary Cancer Syndrome; Neoplastic Syndromes, Hereditary. Identifiers: Orphanet 140162, MedGen C0027672, MeSH D009386, MONDO:0015356.

Submissions (2):

Ambry Genetics
Classification: Uncertain significance for Hereditary cancer-predisposing syndrome. Last evaluated: 2026-06-16. Review status: criteria provided, single submitter. Criteria: Ambry Variant Classification Scheme 2023. Collection method: clinical testing. Allele origin: germline.

Labcorp Genetics (formerly Invitae), Labcorp
Classification: Uncertain significance for Familial adenomatous polyposis 1. Last evaluated: 2024-12-17. Review status: criteria provided, single submitter. Criteria: Invitae Variant Classification Sherloc (09022015). Collection method: clinical testing. Allele origin: germline.
Comment: This sequence change replaces threonine, which is neutral and polar, with asparagine, which is neutral and polar, at codon 1990 of the APC protein (p.Thr1990Asn). This variant is not present in population databases (gnomAD no frequency). This variant has not been reported in the literature in individuals affected with APC-related conditions. Invitae Evidence Modeling of protein sequence and biophysical properties (such as structural, functional, and spatial information, amino acid conservation, physicochemical variation, residue mobility, and thermodynamic stability) indicates that this missense variant is not expected to disrupt APC protein function with a negative predictive value of 95%. In summary, the available evidence is currently insufficient to determine the role of this variant in disease. Therefore, it has been classified as a Variant of Uncertain Significance.

NM_000038.6(APC):c.5969C>A (p.Thr1990Asn)

Gene: APC (APC regulator of Wnt signaling pathway; plus strand). Cytogenetic location: 5q22.2.
Variant type: single nucleotide variant.
Coding change: c.5969C>A on transcript NM_000038.6 (MANE Select); coding-DNA position 5969, C replaced by A.
Protein change: p.Thr1990Asn; replaces threonine 1990 with asparagine.
Molecular consequence: missense variant. On other transcripts: non-coding transcript variant (2).
Genome position (GRCh38, 1-based): chr5:112,841,563, C>A. VCF-style: chr5-112841563-C-A. GRCh37 (hg19) VCF-style: chr5-112177260-C-A.
Other names: c.5969C>A, p.Thr1990Asn (NM_001127510.3, NM_001354895.2, NM_001407450.1); c.5915C>A, p.Thr1972Asn (NM_001127511.3); c.5969C>A (NM_000038.5); c.6023C>A, p.Thr2008Asn (NM_001354896.2, NM_001407447.1, NM_001407448.1 and 1 more transcripts); c.5999C>A, p.Thr2000Asn (NM_001354897.2); c.5894C>A, p.Thr1965Asn (NM_001354898.2); c.5885C>A, p.Thr1962Asn (NM_001354899.2); c.5846C>A, p.Thr1949Asn (NM_001354900.2); and 12 more; short protein forms T1889N, T1899N, T1949N, T1972N, T1983N, T1990N, T2000N, T1606N.
Identifiers: ClinVar variation 3698884 (VCV003698884.3).